The following is an entry in ClinVar:

NM_001098672.2(HEPHL1):c.3270A>G (p.Pro1090=)

Gene: HEPHL1 (hephaestin like 1; plus strand). Cytogenetic location: 11q21.
Variant type: single nucleotide variant.
Coding change: c.3270A>G on transcript NM_001098672.2 (MANE Select); coding-DNA position 3270, A replaced by G.
Protein change: p.Pro1090=; no amino-acid change (proline 1090 retained).
Molecular consequence: synonymous variant.
Genome position (GRCh38, 1-based): chr11:94,111,598, A>G. VCF-style: chr11-94111598-A-G. GRCh37 (hg19) VCF-style: chr11-93844764-A-G.
Identifiers: ClinVar variation 2642295 (VCV002642295.25), dbSNP rs184946138, ClinGen allele CA6233787.

ClinVar aggregate classification (germline): Likely benign. Review status: criteria provided, multiple submitters, no conflicts (2 of 4 stars). 2 submissions from 2 submitters: Likely benign (2). Last evaluated 2026-06-01.

Allele frequency attached by ClinVar (database versions not stated): 1000 Genomes Project 0.00060; 1000 Genomes Project 30x 0.00062; ESP Exome Variant Server 0.00082; gnomAD 0.00086; TOPMed 0.00110; ExAC 0.00120.
gnomAD v4.1: 2,032 of 1,606,624 alleles (0.13%); highest among the groups gnomAD compares: Admixed American, 0.17%; 2 homozygotes.

Submissions (2):

CeGaT Center for Human Genetics Tuebingen
Classification: Likely benign. Last evaluated: 2026-06-01. Review status: criteria provided, single submitter. Criteria: CeGaT Center For Human Genetics Tuebingen Variant Classification Criteria Version 2. Collection method: clinical testing. Allele origin: germline. Affected: yes. Observed: 3 variant alleles.
Comment: HEPHL1: BP4, BP7

Blueprint Genetics
Classification: Likely benign. Last evaluated: 2024-11-08. Review status: criteria provided, single submitter. Criteria: ACMG Guidelines, 2015. Collection method: clinical testing. Allele origin: germline.